The following is an entry in ClinVar:

NM_000553.6(WRN):c.2383C>A (p.His795Asn)

Gene: WRN (WRN RecQ like helicase; plus strand). Cytogenetic location: 8p12.
Variant type: single nucleotide variant.
Coding change: c.2383C>A on transcript NM_000553.6 (MANE Select); coding-DNA position 2383, C replaced by A.
Protein change: p.His795Asn; replaces histidine 795 with asparagine.
Molecular consequence: missense variant.
Genome position (GRCh38, 1-based): chr8:31,116,463, C>A. VCF-style: chr8-31116463-C-A. GRCh37 (hg19) VCF-style: chr8-30973979-C-A.
Other names: short protein forms H795N.
Identifiers: ClinVar variation 1357050 (VCV001357050.6), dbSNP rs2130305810, ClinGen allele CA370913733.

ClinVar aggregate classification (germline): Uncertain significance (1 of 4 stars; one submission).

Conditions:
Werner syndrome (WRN). Identifiers: Orphanet 902, MedGen C0043119, MONDO:0010196, OMIM 277700.

Allele frequency attached by ClinVar (database versions not stated): gnomAD exomes below 0.00001.

Submission:

Labcorp Genetics (formerly Invitae), Labcorp
Classification: Uncertain significance for Werner syndrome. Last evaluated: 2020-11-11. Review status: criteria provided, single submitter. Criteria: Invitae Variant Classification Sherloc (09022015). Collection method: clinical testing. Allele origin: germline.
Comment: Algorithms developed to predict the effect of missense changes on protein structure and function are either unavailable or do not agree on the potential impact of this missense change (SIFT: "Not Available"; PolyPhen-2: "Probably Damaging"; Align-GVGD: "Not Available"). In summary, the available evidence is currently insufficient to determine the role of this variant in disease. Therefore, it has been classified as a Variant of Uncertain Significance. This variant has not been reported in the literature in individuals with WRN-related conditions. This variant is not present in population databases (ExAC no frequency). This sequence change replaces histidine with asparagine at codon 795 of the WRN protein (p.His795Asn). The histidine residue is highly conserved and there is a small physicochemical difference between histidine and asparagine.